The following is an entry in ClinVar:

NM_153252.5(BRWD3):c.319C>T (p.Arg107Trp)

Gene: BRWD3 (bromodomain and WD repeat domain containing 3; minus strand). Cytogenetic location: Xq21.1.
Variant type: single nucleotide variant.
Coding change: c.319C>T on transcript NM_153252.5 (MANE Select); coding-DNA position 319, C replaced by T.
Protein change: p.Arg107Trp; replaces arginine 107 with tryptophan.
Molecular consequence: missense variant.
Genome position (GRCh38, 1-based): chrX:80,793,634, G>A on the plus strand (C>T on the coding strand, the complement: BRWD3 is on the minus strand). VCF-style: chrX-80793634-G-A. GRCh37 (hg19) VCF-style: chrX-80049133-G-A.
Other names: short protein forms R107W.
Identifiers: ClinVar variation 3378118 (VCV003378118.1).

ClinVar aggregate classification (germline): Uncertain significance (1 of 4 stars; one submission).

Submission:

GeneDx
Classification: Uncertain significance. Last evaluated: 2024-04-30. Review status: criteria provided, single submitter. Criteria: GeneDx Variant Classification Process June 2021. Collection method: clinical testing. Allele origin: germline. Affected: yes.
Comment: In silico analysis supports that this missense variant has a deleterious effect on protein structure/function; Not observed at significant frequency in large population cohorts (gnomAD); Has not been previously published as pathogenic or benign to our knowledge